The following is an entry in ClinVar:

ClinVar aggregate classification (germline): Pathogenic (1 of 4 stars; one submission).

Submission:

Labcorp Genetics (formerly Invitae), Labcorp
Classification: Pathogenic. Last evaluated: 2019-11-23. Review status: criteria provided, single submitter. Criteria: Invitae Variant Classification Sherloc (09022015). Collection method: clinical testing. Allele origin: germline.
Comment: This sequence change creates a premature translational stop signal (p.Tyr1838Leufs*30) in the USH2A gene. It is expected to result in an absent or disrupted protein product. For these reasons, this variant has been classified as Pathogenic. Loss-of-function variants in USH2A are known to be pathogenic (PMID: 10729113, 10909849, 20507924, 25649381). This variant has not been reported in the literature in individuals with USH2A-related conditions. This variant is not present in population databases (ExAC no frequency).

Literature cited by the submitters: PubMed 10729113; PubMed 10909849; PubMed 20507924; PubMed 25649381.

NM_206933.4(USH2A):c.5512dup (p.Tyr1838fs)

Genes: USH2A (usherin; minus strand), USH2A-AS2 (USH2A antisense RNA 2; plus strand). Cytogenetic location: 1q41.
Variant type: Duplication.
Coding change: c.5512dup on transcript NM_206933.4 (MANE Select); coding-DNA position 5512, one base duplicated (T; older notation c.5512dupT).
Protein change: p.Tyr1838fs; shifts the reading frame from tyrosine 1838.
Molecular consequence: frameshift variant.
Genome position (GRCh38, 1-based): chr1:216,078,149, A duplicated on the plus strand (T on the coding strand, the reverse complement: USH2A is on the minus strand); the first of 3 consecutive A bases (chr1:216,078,149-216,078,151); duplicating any one gives the same sequence. VCF-style (leftmost placement, unchanged base first): chr1-216078148-T-TA. GRCh37 (hg19) VCF-style: chr1-216251490-T-TA.
Other names: short protein forms Y1838fs.
Identifiers: ClinVar variation 845843 (VCV000845843.7), dbSNP rs2031815415, ClinGen allele CA916082136.